The following is an entry in ClinVar:

ClinVar aggregate classification (germline): Pathogenic. Review status: criteria provided, single submitter (1 of 4 stars). 2 submissions from 2 submitters: Pathogenic (1). 1 of the submissions does not count toward it. Last evaluated 2025-11-23.

Conditions:
Myopathy, proximal, and ophthalmoplegia (CMYO6). Also called: MYOPATHY WITH CONGENITAL JOINT CONTRACTURES, OPHTHALMOPLEGIA, AND RIMMED VACUOLES; INCLUSION BODY MYOPATHY 3, AUTOSOMAL DOMINANT; CONGENITAL MYOPATHY 6 WITH OPHTHALMOPLEGIA. Identifiers: Orphanet 363677, Orphanet 79091, MedGen C1854106, MONDO:0011577, OMIM 605637.

gnomAD v4.1: 2 of 1,576,308 alleles (0.00013%); highest among the groups gnomAD compares: Non-Finnish European, 0.00017%; no homozygotes.

Submissions (2):

Labcorp Genetics (formerly Invitae), Labcorp
Classification: Pathogenic for Myopathy, proximal, and ophthalmoplegia. Last evaluated: 2025-11-23. Review status: criteria provided, single submitter. Criteria: Invitae Variant Classification Sherloc (09022015). Collection method: clinical testing. Allele origin: germline.
Comment: This sequence change affects a donor splice site in intron 10 of the MYH2 gene. It is expected to disrupt RNA splicing. Variants that disrupt the donor or acceptor splice site typically lead to a loss of protein function (PMID: 16199547), and loss-of-function variants in MYH2 are known to be pathogenic (PMID: 20418530, 23388406, 24193343). This variant is not present in population databases (gnomAD no frequency). Disruption of this splice site has been observed in individual(s) with autosomal recessive MYH2-related conditions (PMID: 20418530). In at least one individual the data is consistent with being in trans (on the opposite chromosome) from a pathogenic variant. It has also been observed to segregate with disease in related individuals. ClinVar contains an entry for this variant (Variation ID: 183661). Algorithms developed to predict the effect of sequence changes on RNA splicing suggest that this variant may disrupt the consensus splice site. For these reasons, this variant has been classified as Pathogenic.

OMIM
Classification: Pathogenic for CONGENITAL MYOPATHY 6 WITH OPHTHALMOPLEGIA, AUTOSOMAL RECESSIVE. Last evaluated: 2010-05-01. Review status: no assertion criteria provided. Collection method: literature only. Allele origin: germline. Not counted in ClinVar's aggregate classification.

Literature cited by the submitters: PubMed 16199547 (cited by Labcorp Genetics (formerly Invitae), Labcorp); PubMed 20418530 (cited by Labcorp Genetics (formerly Invitae), Labcorp and OMIM); PubMed 23388406 (cited by Labcorp Genetics (formerly Invitae), Labcorp); PubMed 24193343 (cited by Labcorp Genetics (formerly Invitae), Labcorp).

NM_017534.6(MYH2):c.904+1G>A

Genes: MYHAS (myosin heavy chain gene cluster antisense RNA; plus strand), MYH2 (myosin heavy chain 2; minus strand). Cytogenetic location: 17p13.1.
Variant type: single nucleotide variant.
Coding change: c.904+1G>A on transcript NM_017534.6 (MANE Select); the canonical splice donor site of the intron after coding-DNA position 904, G replaced by A.
Molecular consequence: splice donor variant.
Genome position (GRCh38, 1-based): chr17:10,542,874, C>T on the plus strand (G>A on the coding strand, the complement: MYH2 is on the minus strand). VCF-style: chr17-10542874-C-T. GRCh37 (hg19) VCF-style: chr17-10446191-C-T.
Other names: IVS8DS, G-A, +1; c.904+1G>A (NM_001100112.2).
Identifiers: ClinVar variation 183661 (VCV000183661.8), dbSNP rs879255253, ClinGen allele CA10575689.